The following is an entry in ClinVar:

NM_000138.5(FBN1):c.7208T>C (p.Ile2403Thr)

Gene: FBN1 (fibrillin 1; minus strand). Cytogenetic location: 15q21.1.
Variant type: single nucleotide variant.
Coding change: c.7208T>C on transcript NM_000138.5 (MANE Select); coding-DNA position 7208, T replaced by C.
Protein change: p.Ile2403Thr; replaces isoleucine 2403 with threonine.
Molecular consequence: missense variant.
Genome position (GRCh38, 1-based): chr15:48,425,861, A>G on the plus strand (T>C on the coding strand, the complement: FBN1 is on the minus strand). VCF-style: chr15-48425861-A-G. GRCh37 (hg19) VCF-style: chr15-48718058-A-G.
Other names: c.7208T>C, p.Ile2403Thr (NM_001406716.1); short protein forms I2403T.
Identifiers: ClinVar variation 5005423 (VCV005005423.2).

ClinVar aggregate classification (germline): Likely pathogenic (1 of 4 stars; one submission).

Conditions:
Acromicric dysplasia (ACMICD). Also called: Acromicric skeletal dysplasia. Identifiers: Orphanet 969, MedGen C0265287, MONDO:0007055, OMIM 102370.
Progeroid and marfanoid aspect-lipodystrophy syndrome. Also called: MARFANOID-PROGEROID SYNDROME; MARFAN-PROGEROID-LIPODYSTROPHY SYNDROME; Marfan lipodystrophy syndrome; MARFANOID-PROGEROID-LIPODYSTROPHY SYNDROME. Identifiers: Orphanet 300382, MedGen C4310796, MONDO:0014831, OMIM 616914.
MASS syndrome (OCTD). Also called: OVERLAP CONNECTIVE TISSUE DISEASE; MASS PHENOTYPE. Identifiers: MedGen C1858556, MONDO:0011431, OMIM 604308.
Geleophysic dysplasia 2 (GPHYSD2). Identifiers: Orphanet 2623, MedGen C3280054, MONDO:0013612, OMIM 614185.
Weill-Marchesani syndrome 2, dominant. Also called: Weill-Marchesani Syndrome, Autosomal Dominant; FBN1-Related Weill-Marchesani Syndrome. Identifiers: Orphanet 2084, MedGen C1869115, MONDO:0012013, OMIM 608328.
Stiff skin syndrome (SSKS). Identifiers: Orphanet 2833, MedGen C1861456, MONDO:0008492, OMIM 184900.
Marfan syndrome (MFS). Also called: Marfan syndrome type 1; FBN1-Related Marfan Syndrome; MARFAN SYNDROME, TYPE I; Marfan's syndrome; Marfan syndrome, classic. Identifiers: Orphanet 284963, Orphanet 558, MedGen C0024796, MONDO:0007947, OMIM 154700.
Ectopia lentis 1, isolated, autosomal dominant (ECTOL1). Identifiers: Orphanet 1885, MedGen C3541518, MONDO:0007514, OMIM 129600.

Submission:

Juno Genomics, Hangzhou Juno Genomics, Inc
Classification: Likely pathogenic for Acromicric dysplasia; Ectopia lentis 1, isolated, autosomal dominant; Geleophysic dysplasia 2; Progeroid and marfanoid aspect-lipodystrophy syndrome; Marfan syndrome; MASS syndrome; Stiff skin syndrome; Weill-Marchesani syndrome 2, dominant. Review status: criteria provided, single submitter. Criteria: ACMG Guidelines, 2015. Collection method: clinical testing. Allele origin: germline.
Comment: Absent from controls (or at extremely low frequency if recessive) in Genome Aggregation Database.;Multiple lines of computational evidence support a deleterious effect on the gene or gene product.;Missense variant in a gene that has a low rate of benign missense variation.;The prevalence of the variant in affected individuals is significantly increased compared to the prevalence in controls.;Patient's phenotype or family history is highly specific for a disease with a single genetic etiology.